The following is an entry in ClinVar:

NM_004304.5(ALK):c.3313A>G (p.Ile1105Val)

Gene: ALK (ALK receptor tyrosine kinase; minus strand). Cytogenetic location: 2p23.2.
Variant type: single nucleotide variant.
Coding change: c.3313A>G on transcript NM_004304.5 (MANE Select); coding-DNA position 3313, A replaced by G.
Protein change: p.Ile1105Val; replaces isoleucine 1105 with valine.
Molecular consequence: missense variant.
Genome position (GRCh38, 1-based): chr2:29,223,388, T>C on the plus strand (A>G on the coding strand, the complement: ALK is on the minus strand). VCF-style: chr2-29223388-T-C. GRCh37 (hg19) VCF-style: chr2-29446254-T-C.
Other names: c.109A>G, p.Ile37Val (NM_001353765.2); short protein forms I1105V, I37V.
Identifiers: ClinVar variation 570258 (VCV000570258.20), dbSNP rs1426033956, ClinGen allele CA346464758.

ClinVar aggregate classification (germline): Conflicting classifications of pathogenicity. Review status: criteria provided, conflicting classifications (1 of 4 stars). 6 submissions from 6 submitters: Uncertain significance (5); Likely benign (1). Last evaluated 2026-05-08.

Conditions:
Hereditary cancer-predisposing syndrome. Also called: Tumor predisposition; Hereditary Cancer Syndrome; Neoplastic Syndromes, Hereditary; Hereditary neoplastic syndrome. Identifiers: Orphanet 140162, MedGen C0027672, MeSH D009386, MONDO:0015356.
Neuroblastoma, susceptibility to, 3. Also called: ALK-Related Neuroblastic Tumor Susceptibility. Identifiers: Orphanet 635, MedGen C2751681, MONDO:0013083, OMIM 613014.

Allele frequency attached by ClinVar (database versions not stated): gnomAD exomes below 0.00001; TOPMed below 0.00001; gnomAD 0.00001.
gnomAD v4.1: 8 of 1,614,020 alleles (0.0005%); highest among the groups gnomAD compares: Non-Finnish European, 0.00068%; no homozygotes.

Submissions (6):

Ambry Genetics
Classification: Likely benign for Hereditary cancer-predisposing syndrome. Last evaluated: 2026-05-08. Review status: criteria provided, single submitter. Criteria: Ambry Variant Classification Scheme 2023. Collection method: clinical testing. Allele origin: germline.

Labcorp Genetics (formerly Invitae), Labcorp
Classification: Uncertain significance for Neuroblastoma, susceptibility to, 3. Last evaluated: 2025-12-01. Review status: criteria provided, single submitter. Criteria: Invitae Variant Classification Sherloc (09022015). Collection method: clinical testing. Allele origin: germline.
Comment: This sequence change replaces isoleucine, which is neutral and non-polar, with valine, which is neutral and non-polar, at codon 1105 of the ALK protein (p.Ile1105Val). This variant is present in population databases (no rsID available, gnomAD 0.0009%). This variant has not been reported in the literature in individuals affected with ALK-related conditions. ClinVar contains an entry for this variant (Variation ID: 570258). An algorithm developed to predict the effect of missense changes on protein structure and function (PolyPhen-2) suggests that this variant is likely to be tolerated. In summary, the available evidence is currently insufficient to determine the role of this variant in disease. Therefore, it has been classified as a Variant of Uncertain Significance.

St. Jude Molecular Pathology, St. Jude Children's Research Hospital
Classification: Uncertain significance for Neuroblastoma, susceptibility to, 3. Last evaluated: 2024-12-19. Review status: criteria provided, single submitter. Criteria: St. Jude Assertion Criteria 2020. Collection method: clinical testing. Allele origin: germline.
Comment: The ALK c.3313A>G (p.Ile1105Val) missense change has a maximum subpopulation frequency of 0.0009% in gnomAD v2.1.1. The in silico tool REVEL predicts a benign effect on protein function, but to our knowledge this prediction has not been confirmed by functional studies. To our knowledge, this variant has not been reported in the literature in individuals with ALK-related neuroblastic tumor susceptibility. In summary, the evidence currently available is insufficient to determine the clinical significance of this variant. It has therefore been classified as of uncertain significance.

Baylor Genetics
Classification: Uncertain significance for Neuroblastoma, susceptibility to, 3. Last evaluated: 2024-01-06. Review status: criteria provided, single submitter. Criteria: ACMG Guidelines, 2015. Collection method: clinical testing. Allele origin: unknown.

Laboratorio de Genetica e Diagnostico Molecular, Hospital Israelita Albert Einstein
Classification: Uncertain significance for Neuroblastoma, susceptibility to, 3. Last evaluated: 2023-10-11. Review status: criteria provided, single submitter. Criteria: ACMG Guidelines, 2015. Collection method: clinical testing. Allele origin: germline. Affected: yes.
Comment: ACMG classification criteria: PM2 moderate, BP4 supporting

GeneDx
Classification: Uncertain significance. Last evaluated: 2023-02-17. Review status: criteria provided, single submitter. Criteria: GeneDx Variant Classification Process June 2021. Collection method: clinical testing. Allele origin: germline. Affected: yes.
Comment: Not observed at significant frequency in large population cohorts (gnomAD); In silico analysis supports that this missense variant does not alter protein structure/function; Has not been previously published as pathogenic or benign to our knowledge